The following is an entry in ClinVar:

ClinVar aggregate classification (germline): Uncertain significance (1 of 4 stars; one submission).

Conditions:
Autosomal recessive limb-girdle muscular dystrophy type 2O. Also called: Limb-Girdle Muscular Dystrophy Type 3C; MUSCULAR DYSTROPHY-DYSTROGLYCANOPATHY (LIMB-GIRDLE), TYPE C, 3; MUSCULAR DYSTROPHY-DYSTROGLYCANOPATHY, LIMB-GIRDLE, POMGNT1-RELATED. Identifiers: Orphanet 206564, MedGen C3150417, MONDO:0013161, OMIM 613157.
Muscular dystrophy-dystroglycanopathy (congenital with impaired intellectual development), type B, 3. Also called: MUSCULAR DYSTROPHY, CONGENITAL, POMGNT1-RELATED; Muscular dystrophy-dystroglycanopathy (congenital with intellectual disability), type B3. Identifiers: MedGen C3150412, MONDO:0013155, OMIM 613151.

Submission:

Labcorp Genetics (formerly Invitae), Labcorp
Classification: Uncertain significance for Autosomal recessive limb-girdle muscular dystrophy type 2O; Muscular dystrophy-dystroglycanopathy (congenital with impaired intellectual development), type B, 3. Last evaluated: 2020-02-22. Review status: criteria provided, single submitter. Criteria: Invitae Variant Classification Sherloc (09022015). Collection method: clinical testing. Allele origin: germline.
Comment: This sequence change replaces arginine with glycine at codon 62 of the POMGNT1 protein (p.Arg62Gly). The arginine residue is highly conserved and there is a moderate physicochemical difference between arginine and glycine. This variant is not present in population databases (ExAC no frequency). This variant has not been reported in the literature in individuals with POMGNT1-related conditions. Algorithms developed to predict the effect of missense changes on protein structure and function (SIFT, PolyPhen-2, Align-GVGD) all suggest that this variant is likely to be tolerated, but these predictions have not been confirmed by published functional studies and their clinical significance is uncertain. In summary, the available evidence is currently insufficient to determine the role of this variant in disease. Therefore, it has been classified as a Variant of Uncertain Significance.

NM_017739.4(POMGNT1):c.184C>G (p.Arg62Gly)

Gene: POMGNT1 (protein O-linked mannose N-acetylglucosaminyltransferase 1 (beta 1,2-); minus strand). Cytogenetic location: 1p34.1.
Variant type: single nucleotide variant.
Coding change: c.184C>G on transcript NM_017739.4 (MANE Select); coding-DNA position 184, C replaced by G.
Protein change: p.Arg62Gly; replaces arginine 62 with glycine.
Molecular consequence: missense variant. On other transcripts: 5 prime UTR variant (1).
Genome position (GRCh38, 1-based): chr1:46,197,021, G>C on the plus strand (C>G on the coding strand, the complement: POMGNT1 is on the minus strand). VCF-style: chr1-46197021-G-C. GRCh37 (hg19) VCF-style: chr1-46662693-G-C.
Other names: c.184C>G, p.Arg62Gly (NM_001243766.2, NM_001410783.1); c.118C>G, p.Arg40Gly (NM_001290129.3); c.-246C>G (NM_001290130.2); short protein forms R40G, R62G.
Identifiers: ClinVar variation 1047288 (VCV001047288.11), dbSNP rs1352412667, ClinGen allele CA340192067.